The following is an entry in ClinVar:

ClinVar aggregate classification (germline): Pathogenic (1 of 4 stars; one submission).

Conditions:
Primary ciliary dyskinesia. Also called: Ciliary dyskinesia. Identifiers: Orphanet 244, MedGen C0008780, MONDO:0016575, HP:0012265.

Submission:

Labcorp Genetics (formerly Invitae), Labcorp
Classification: Pathogenic for Primary ciliary dyskinesia. Last evaluated: 2022-08-16. Review status: criteria provided, single submitter. Criteria: Invitae Variant Classification Sherloc (09022015). Collection method: clinical testing. Allele origin: germline.
Comment: For these reasons, this variant has been classified as Pathogenic. This variant has not been reported in the literature in individuals affected with DNAH5-related conditions. This variant is not present in population databases (gnomAD no frequency). This sequence change creates a premature translational stop signal (p.Gln4011Profs*30) in the DNAH5 gene. It is expected to result in an absent or disrupted protein product. Loss-of-function variants in DNAH5 are known to be pathogenic (PMID: 11788826, 16627867).

Literature cited by the submitters: PubMed 11788826; PubMed 16627867.

NM_001369.3(DNAH5):c.12031dup (p.Gln4011fs)

Gene: DNAH5 (dynein axonemal heavy chain 5; minus strand). Cytogenetic location: 5p15.2.
Variant type: Duplication.
Coding change: c.12031dup on transcript NM_001369.3 (MANE Select); coding-DNA position 12031, one base duplicated (C; older notation c.12031dupC).
Protein change: p.Gln4011fs; shifts the reading frame from glutamine 4011.
Molecular consequence: frameshift variant.
Genome position (GRCh38, 1-based): chr5:13,727,509, G duplicated on the plus strand (C on the coding strand, the reverse complement: DNAH5 is on the minus strand); the first of 3 consecutive G bases (chr5:13,727,509-13,727,511); duplicating any one gives the same sequence. VCF-style (leftmost placement, unchanged base first): chr5-13727508-T-TG. GRCh37 (hg19) VCF-style: chr5-13727617-T-TG.
Other names: short protein forms Q4011fs.
Identifiers: ClinVar variation 1990629 (VCV001990629.4), dbSNP rs2546541555, ClinGen allele CA2580072025.